The following is an entry in ClinVar:

NM_001430.5(EPAS1):c.313G>C (p.Asp105His)

Gene: EPAS1 (endothelial PAS domain protein 1; plus strand). Cytogenetic location: 2p21.
Variant type: single nucleotide variant.
Coding change: c.313G>C on transcript NM_001430.5 (MANE Select); coding-DNA position 313, G replaced by C.
Protein change: p.Asp105His; replaces aspartic acid 105 with histidine.
Molecular consequence: missense variant.
Genome position (GRCh38, 1-based): chr2:46,356,246, G>C. VCF-style: chr2-46356246-G-C. GRCh37 (hg19) VCF-style: chr2-46583385-G-C.
Other names: short protein forms D105H.
Identifiers: ClinVar variation 2560755 (VCV002560755.2), dbSNP rs777345987, ClinGen allele CA1644602.

ClinVar aggregate classification (germline): Uncertain significance (1 of 4 stars; one submission).

Conditions:
Inborn genetic diseases. Identifiers: MedGen C0950123, MeSH D030342.

Allele frequency attached by ClinVar (database versions not stated): ExAC 0.00001.

Submission:

Ambry Genetics
Classification: Uncertain significance for Inborn genetic diseases. Last evaluated: 2023-04-07. Review status: criteria provided, single submitter. Criteria: Ambry Variant Classification Scheme 2023. Collection method: clinical testing. Allele origin: germline.
Comment: The p.D105H variant (also known as c.313G>C), located in coding exon 3 of the EPAS1 gene, results from a G to C substitution at nucleotide position 313. The aspartic acid at codon 105 is replaced by histidine, an amino acid with similar properties. This amino acid position is conserved. In addition, this alteration is predicted to be deleterious by in silico analysis. Since supporting evidence is limited at this time, the clinical significance of this alteration remains unclear.